The following is an entry in ClinVar:

NM_006852.6(TLK2):c.153+8G>A

Gene: TLK2 (tousled like kinase 2; plus strand). Cytogenetic location: 17q23.2.
Variant type: single nucleotide variant.
Coding change: c.153+8G>A on transcript NM_006852.6 (MANE Select); 8 bases into the intron after coding-DNA position 153, G replaced by A.
Molecular consequence: intron variant.
Genome position (GRCh38, 1-based): chr17:62,520,852, G>A. VCF-style: chr17-62520852-G-A. GRCh37 (hg19) VCF-style: chr17-60598213-G-A.
Other names: c.153+8G>A (NM_001375271.1, NM_001375270.1, NM_001375272.1 and 3 more transcripts); c.-199+8G>A (NM_001375273.1, NM_001330418.3); c.291+8G>A (NM_001375269.1).
Identifiers: ClinVar variation 3233988 (VCV003233988.2), dbSNP rs2075991127, ClinGen allele CA985361246.

ClinVar aggregate classification (germline): Uncertain significance (1 of 4 stars; one submission).

Allele frequency attached by ClinVar (database versions not stated): gnomAD 0.00001; gnomAD exomes 0.00001; TOPMed 0.00001.

Submission:

Women's Health and Genetics/Laboratory Corporation of America, LabCorp
Classification: Uncertain significance. Last evaluated: 2024-03-13. Review status: criteria provided, single submitter. Criteria: LabCorp Variant Classification Summary - May 2015. Collection method: clinical testing. Allele origin: germline.
Comment: Variant summary: TLK2 c.153+8G>A alters a non-conserved nucleotide located close to a canonical splice site and therefore could affect mRNA splicing, leading to a significantly altered protein sequence. Consensus agreement among computation tools predict no significant impact on normal splicing. However, these predictions have yet to be confirmed by functional studies. The variant was absent in 251158 control chromosomes. The available data on variant occurrences in the general population are insufficient to allow any conclusion about variant significance. To our knowledge, no occurrence of c.153+8G>A in individuals affected with Intellectual Disability, Autosomal Dominant 57 and no experimental evidence demonstrating its impact on protein function have been reported. No submitters have cited clinical-significance assessments for this variant to ClinVar. Based on the evidence outlined above, the variant was classified as uncertain significance.